The following is an entry in ClinVar:

ClinVar aggregate classification (germline): Uncertain significance (1 of 4 stars; one submission).

Conditions:
Adams-Oliver syndrome 5 (AOS5). Identifiers: Orphanet 974, MedGen C4014970, MONDO:0014459, OMIM 616028.

Submission:

Labcorp Genetics (formerly Invitae), Labcorp
Classification: Uncertain significance for Adams-Oliver syndrome 5. Last evaluated: 2026-01-02. Review status: criteria provided, single submitter. Criteria: Invitae Variant Classification Sherloc (09022015). Collection method: clinical testing. Allele origin: germline.
Comment: This sequence change replaces histidine, which is basic and polar, with tyrosine, which is neutral and polar, at codon 1190 of the NOTCH1 protein (p.His1190Tyr). This variant is not present in population databases (gnomAD no frequency). This variant has not been reported in the literature in individuals affected with NOTCH1-related conditions. Invitae Evidence Modeling of protein sequence and biophysical properties (such as structural, functional, and spatial information, amino acid conservation, physicochemical variation, residue mobility, and thermodynamic stability) indicates that this missense variant is not expected to disrupt NOTCH1 protein function with a negative predictive value of 80%. In summary, the available evidence is currently insufficient to determine the role of this variant in disease. Therefore, it has been classified as a Variant of Uncertain Significance.

NM_017617.5(NOTCH1):c.3568C>T (p.His1190Tyr)

Gene: NOTCH1 (notch receptor 1; minus strand). Cytogenetic location: 9q34.3.
Variant type: single nucleotide variant.
Coding change: c.3568C>T on transcript NM_017617.5 (MANE Select); coding-DNA position 3568, C replaced by T.
Protein change: p.His1190Tyr; replaces histidine 1190 with tyrosine.
Molecular consequence: missense variant.
Genome position (GRCh38, 1-based): chr9:136,507,380, G>A on the plus strand (C>T on the coding strand, the complement: NOTCH1 is on the minus strand). VCF-style: chr9-136507380-G-A. GRCh37 (hg19) VCF-style: chr9-139401832-G-A.
Other names: short protein forms H1190Y.
Identifiers: ClinVar variation 4742006 (VCV004742006.1).
Genomic context (GRCh38, chr9:136,507,380, plus strand): 5'-GGCAGGAGCACTTGTAGGTGTTGGGGAGGTCGAGGCAGGTGCCCCCGTTCTGGCAGGGGT[G>A]GGAGAGGCACTCGTCGATCTCCTCAGAGCAGTTCACCCCGTGGTAGCCGGCCACGCACTG-3'
Protein context (NP_060087.3, residues 1180-1200): CSEEIDECLS[His1190Tyr]PCQNGGTCLD